The following is an entry in ClinVar:

ClinVar aggregate classification (germline): Uncertain significance (1 of 4 stars; one submission).

Allele frequency attached by ClinVar (database versions not stated): ExAC 0.00001.
gnomAD v4.1: 3 of 1,614,200 alleles (0.00019%); highest among the groups gnomAD compares: Non-Finnish European, 0.00025%; no homozygotes.

Submission:

Labcorp Genetics (formerly Invitae), Labcorp
Classification: Uncertain significance. Last evaluated: 2022-07-22. Review status: criteria provided, single submitter. Criteria: Invitae Variant Classification Sherloc (09022015). Collection method: clinical testing. Allele origin: germline.
Comment: This sequence change replaces glutamine, which is neutral and polar, with lysine, which is basic and polar, at codon 192 of the RP1 protein (p.Gln192Lys). In summary, the available evidence is currently insufficient to determine the role of this variant in disease. Therefore, it has been classified as a Variant of Uncertain Significance. Algorithms developed to predict the effect of missense changes on protein structure and function output the following: SIFT: "Tolerated"; PolyPhen-2: "Benign"; Align-GVGD: "Class C0". The lysine amino acid residue is found in multiple mammalian species, which suggests that this missense change does not adversely affect protein function. This variant has not been reported in the literature in individuals affected with RP1-related conditions. This variant is present in population databases (rs751318405, gnomAD 0.0009%).

NM_006269.2(RP1):c.574C>A (p.Gln192Lys)

Gene: RP1 (RP1 axonemal microtubule associated; plus strand). Cytogenetic location: 8q12.1.
Variant type: single nucleotide variant.
Coding change: c.574C>A on transcript NM_006269.2 (MANE Select); coding-DNA position 574, C replaced by A.
Protein change: p.Gln192Lys; replaces glutamine 192 with lysine.
Molecular consequence: missense variant.
Genome position (GRCh38, 1-based): chr8:54,621,540, C>A. VCF-style: chr8-54621540-C-A. GRCh37 (hg19) VCF-style: chr8-55534100-C-A.
Other names: c.574C>A, p.Gln192Lys (NM_001375654.1); short protein forms Q192K.
Identifiers: ClinVar variation 1994023 (VCV001994023.4), dbSNP rs751318405, ClinGen allele CA4751204.